The following is an entry in ClinVar:

NM_001382430.1(AKT1):c.1360C>G (p.Gln454Glu)

Gene: AKT1 (AKT serine/threonine kinase 1; minus strand). Cytogenetic location: 14q32.33.
Variant type: single nucleotide variant.
Coding change: c.1360C>G on transcript NM_001382430.1 (MANE Select); coding-DNA position 1360, C replaced by G.
Protein change: p.Gln454Glu; replaces glutamine 454 with glutamic acid.
Molecular consequence: missense variant.
Genome position (GRCh38, 1-based): chr14:104,770,748, G>C on the plus strand (C>G on the coding strand, the complement: AKT1 is on the minus strand). VCF-style: chr14-104770748-G-C. GRCh37 (hg19) VCF-style: chr14-105237085-G-C.
Other names: c.1360C>G, p.Gln454Glu (NM_001014431.2, NM_001014432.2, NM_001382431.1 and 3 more transcripts); short protein forms Q454E.
Identifiers: ClinVar variation 1770829 (VCV001770829.2), dbSNP rs2542102834, ClinGen allele CA391214393.
Genomic context (GRCh38, chr14:104,770,748, plus strand): 5'-GCCTCTCTGAGTGTGGAGAGAAAAGGGAGTGGGCGGGGGCAGGCAGTGGCCCCTCACCTT[G>C]GTCAGGTGGTGTGATGGTGATCATCTGGGCCGTGAACTCCTCATCAAAATACCTGGTGTC-3'
Protein context (NP_001369359.1, residues 444-464): AQMITITPPD[Gln454Glu]DDSMECVDSE

ClinVar aggregate classification (germline): Uncertain significance (1 of 4 stars; one submission).

Conditions:
Inborn genetic diseases. Identifiers: MedGen C0950123, MeSH D030342.

Submission:

Ambry Genetics
Classification: Uncertain significance for Inborn genetic diseases. Last evaluated: 2021-12-22. Review status: criteria provided, single submitter. Criteria: Ambry Variant Classification Scheme 2023. Collection method: clinical testing. Allele origin: germline.
Comment: The p.Q454E variant (also known as c.1360C>G), located in coding exon 12 of the AKT1 gene, results from a C to G substitution at nucleotide position 1360. The glutamine at codon 454 is replaced by glutamic acid, an amino acid with highly similar properties. This amino acid position is conserved. In addition, this alteration is predicted to be tolerated by in silico analysis. Since supporting evidence is limited at this time, the clinical significance of this alteration remains unclear.